The following is an entry in ClinVar:

NM_001330700.2(TOP2B):c.4517A>C (p.Lys1506Thr)

Gene: TOP2B (DNA topoisomerase II beta; minus strand). Cytogenetic location: 3p24.2.
Variant type: single nucleotide variant.
Coding change: c.4517A>C on transcript NM_001330700.2 (MANE Select); coding-DNA position 4517, A replaced by C.
Protein change: p.Lys1506Thr; replaces lysine 1506 with threonine.
Molecular consequence: missense variant.
Genome position (GRCh38, 1-based): chr3:25,601,198, T>G on the plus strand (A>C on the coding strand, the complement: TOP2B is on the minus strand). VCF-style: chr3-25601198-T-G. GRCh37 (hg19) VCF-style: chr3-25642689-T-G.
Other names: c.4502A>C, p.Lys1501Thr (NM_001068.3); short protein forms K1501T, K1506T.
Identifiers: ClinVar variation 3239438 (VCV003239438.20), dbSNP rs2529854323.

ClinVar aggregate classification (germline): Uncertain significance. Review status: criteria provided, multiple submitters, no conflicts (2 of 4 stars). 2 submissions from 2 submitters: Uncertain significance (2). Last evaluated 2026-06-01.

Submissions (2):

CeGaT Center for Human Genetics Tuebingen
Classification: Uncertain significance. Last evaluated: 2026-06-01. Review status: criteria provided, single submitter. Criteria: CeGaT Center For Human Genetics Tuebingen Variant Classification Criteria Version 2. Collection method: clinical testing. Allele origin: germline. Affected: yes. Observed: 2 variant alleles.
Comment: TOP2B: PM2, BP4

Labcorp Genetics (formerly Invitae), Labcorp
Classification: Uncertain significance. Last evaluated: 2025-11-18. Review status: criteria provided, single submitter. Criteria: Invitae Variant Classification Sherloc (09022015). Collection method: clinical testing. Allele origin: germline.
Comment: This sequence change replaces lysine, which is basic and polar, with threonine, which is neutral and polar, at codon 1501 of the TOP2B protein (p.Lys1501Thr). This variant is not present in population databases (gnomAD no frequency). This variant has not been reported in the literature in individuals affected with TOP2B-related conditions. ClinVar contains an entry for this variant (Variation ID: 3239438). An algorithm developed to predict the effect of missense changes on protein structure and function (PolyPhen-2) suggests that this variant is likely to be disruptive. In summary, the available evidence is currently insufficient to determine the role of this variant in disease. Therefore, it has been classified as a Variant of Uncertain Significance.